The following is an entry in ClinVar:

ClinVar aggregate classification (germline): Uncertain significance (1 of 4 stars; one submission).

Conditions:
Inborn genetic diseases. Identifiers: MedGen C0950123, MeSH D030342.

Submission:

Ambry Genetics
Classification: Uncertain significance for Inborn genetic diseases. Last evaluated: 2025-12-10. Review status: criteria provided, single submitter. Criteria: Ambry Variant Classification Scheme 2023. Collection method: clinical testing. Allele origin: germline.
Comment: The p.S517R variant (also known as c.1551T>A), located in coding exon 8 of the MECOM gene, results from a T to A substitution at nucleotide position 1551. The serine at codon 517 is replaced by arginine, an amino acid with dissimilar properties. This amino acid position is conserved. In addition, this alteration is predicted to be tolerated by in silico analysis. Based on the available evidence, the clinical significance of this variant remains unclear.

NM_004991.4(MECOM):c.1551T>A (p.Ser517Arg)

Gene: MECOM (MDS1 and EVI1 complex locus; minus strand). Cytogenetic location: 3q26.2.
Variant type: single nucleotide variant.
Coding change: c.1551T>A on transcript NM_004991.4 (MANE Select); coding-DNA position 1551, T replaced by A.
Protein change: p.Ser517Arg; replaces serine 517 with arginine.
Molecular consequence: missense variant. On other transcripts: intron variant (2).
Genome position (GRCh38, 1-based): chr3:169,116,321, A>T on the plus strand (T>A on the coding strand, the complement: MECOM is on the minus strand). VCF-style: chr3-169116321-A-T. GRCh37 (hg19) VCF-style: chr3-168834109-A-T.
Other names: c.1182T>A, p.Ser394Arg (NM_001105077.4); c.987T>A, p.Ser329Arg (NM_001105078.4, NM_001164000.2, NM_001205194.2 and 4 more transcripts); c.990T>A, p.Ser330Arg (NM_001163999.2, NM_001366467.2, NM_001366468.2 and 1 more transcripts); c.1551T>A, p.Ser517Arg (NM_001366466.2); c.1133-554T>A (NM_001366473.2); c.569-554T>A (NM_001366474.2); short protein forms S394R, S329R, S330R, S517R.
Identifiers: ClinVar variation 4624746 (VCV004624746.1).